The following is an entry in ClinVar:

ClinVar aggregate classification (germline): Uncertain significance (1 of 4 stars; one submission).

gnomAD v4.1: 1 of 1,614,128 alleles (0.000062%); highest among the groups gnomAD compares: Non-Finnish European, 0.000085%; no homozygotes.

Submission:

Ambry Genetics
Classification: Uncertain significance. Last evaluated: 2025-08-01. Review status: criteria provided, single submitter. Criteria: Ambry Variant Classification Scheme 2023. Collection method: clinical testing. Allele origin: germline.
Comment: The p.Q115K variant (also known as c.343C>A), located in coding exon 1 of the CDK12 gene, results from a C to A substitution at nucleotide position 343. The glutamine at codon 115 is replaced by lysine, an amino acid with similar properties. This amino acid position is conserved. In addition, this alteration is predicted to be tolerated by in silico analysis. Based on the available evidence, the clinical significance of this variant remains unclear.

NM_016507.4(CDK12):c.343C>A (p.Gln115Lys)

Genes: CDK12 (cyclin dependent kinase 12; plus strand), LOC126862553 (CDK7 strongly-dependent group 2 enhancer GRCh37_chr17:37618166-37619365; plus strand). Cytogenetic location: 17q12.
Variant type: single nucleotide variant.
Coding change: c.343C>A on transcript NM_016507.4 (MANE Select); coding-DNA position 343, C replaced by A.
Protein change: p.Gln115Lys; replaces glutamine 115 with lysine.
Molecular consequence: missense variant.
Genome position (GRCh38, 1-based): chr17:39,462,414, C>A. VCF-style: chr17-39462414-C-A. GRCh37 (hg19) VCF-style: chr17-37618667-C-A.
Other names: c.343C>A, p.Gln115Lys (NM_015083.4); short protein forms Q115K.
Identifiers: ClinVar variation 4224324 (VCV004224324.1).
Genomic context (GRCh38, chr17:39,462,414, plus strand): 5'-GAGAACGACGAACGTCGTGGATCAGATCGGAGCGACCGCCTGCACAAACATCGTCACCAC[C>A]AGCACAGGCGTTCCCGGGACTTACTAAAAGCTAAACAGACCGAAAAAGAAAAAAGCCAAG-3'
Protein context (NP_057591.2, residues 105-125): SDRLHKHRHH[Gln115Lys]HRRSRDLLKA